The following is an entry in ClinVar:

NM_004006.3(DMD):c.7060del (p.Tyr2354fs)

Gene: DMD (dystrophin; minus strand). Cytogenetic location: Xp21.1.
Variant type: Deletion.
Coding change: c.7060del on transcript NM_004006.3 (MANE Select); coding-DNA position 7060, one base deleted (T; older notation c.7060delT).
Protein change: p.Tyr2354fs; shifts the reading frame from tyrosine 2354.
Molecular consequence: frameshift variant. On other transcripts: 5 prime UTR variant (5).
Genome position (GRCh38, 1-based): chrX:31,875,226, A deleted on the plus strand (T on the coding strand, the reverse complement: DMD is on the minus strand); the first of 3 consecutive A bases (chrX:31,875,226-31,875,228); deleting any one gives the same sequence. VCF-style (leftmost placement, unchanged base first): chrX-31875225-TA-T. GRCh37 (hg19) VCF-style: chrX-31893342-TA-T.
Other names: c.7036del, p.Tyr2346fs (NM_000109.4); c.7048del, p.Tyr2350fs (NM_004009.3); c.6691del, p.Tyr2231fs (NM_004010.3); c.3037del, p.Tyr1013fs (NM_004011.4); c.3028del, p.Tyr1010fs (NM_004012.4); c.-321del (NM_004013.3, NM_004020.4, NM_004021.3 and 2 more transcripts); short protein forms Y1013fs, Y2231fs, Y2346fs, Y2354fs, Y1010fs, Y2350fs.
Identifiers: ClinVar variation 1381393 (VCV001381393.8), dbSNP rs2149679899, ClinGen allele CA2573158649.

ClinVar aggregate classification (germline): Pathogenic (1 of 4 stars; one submission).

Conditions:
Duchenne muscular dystrophy (DMD). Also called: MUSCULAR DYSTROPHY, PSEUDOHYPERTROPHIC PROGRESSIVE, DUCHENNE TYPE; Duchenne Muscular Dystrophy (DMD). Identifiers: Orphanet 98896, MedGen C0013264, MONDO:0010679, OMIM 310200.

Submission:

Labcorp Genetics (formerly Invitae), Labcorp
Classification: Pathogenic for Duchenne muscular dystrophy. Last evaluated: 2020-11-17. Review status: criteria provided, single submitter. Criteria: Invitae Variant Classification Sherloc (09022015). Collection method: clinical testing. Allele origin: germline.
Comment: For these reasons, this variant has been classified as Pathogenic. This variant has been observed in individual(s) with Duchenne muscular dystrophy (PMID: 28859693). This variant is not present in population databases (ExAC no frequency). This sequence change creates a premature translational stop signal (p.Tyr2354Ilefs*17) in the DMD gene. It is expected to result in an absent or disrupted protein product. Loss-of-function variants in DMD are known to be pathogenic (PMID: 16770791, 25007885).

Literature cited by the submitters: PubMed 28859693; PubMed 16770791; PubMed 25007885.